The following is an entry in ClinVar:

ClinVar aggregate classification (germline): Benign. Review status: reviewed by expert panel (3 of 4 stars). 9 submissions from 9 submitters: Benign (1). 8 of the submissions do not count toward it. Last evaluated 2015-01-12.
ClinVar aggregate classification (somatic clinical impact): Tier IV - Benign/Likely benign (0 of 4 stars; one submission).

Conditions:
Breast-ovarian cancer, familial, susceptibility to, 1 (BROVCA1). Also called: BRCA1 Hereditary Breast and Ovarian Cancer; OVARIAN CANCER, SUSCEPTIBILITY TO. Identifiers: Orphanet 145, MedGen C2676676, MONDO:0011450, OMIM 604370. Disease mechanism: loss of function.
Familial cancer of breast. Also called: BREAST CANCER, FAMILIAL; hereditary breast carcinoma; Hereditary breast cancer. Identifiers: Orphanet 227535, MedGen C0346153, MONDO:0016419, OMIM 114480. Disease mechanism: loss of function.

Allele frequency attached by ClinVar (database versions not stated): TOPMed 0.30232; gnomAD 0.30900 and 0.31641; gnomAD exomes 0.34065; 1000 Genomes Project 30x 0.34760; 1000 Genomes Project 0.35343.
gnomAD v4.1: 493,340 of 1,458,920 alleles (34%); highest among the groups gnomAD compares: South Asian, 50%; 85,314 homozygotes.

Submissions (10):

Evidence-based Network for the Interpretation of Germline Mutant Alleles (ENIGMA)
Classification: Benign for Breast-ovarian cancer, familial 1. Last evaluated: 2015-01-12. Review status: reviewed by expert panel. Criteria: ENIGMA BRCA1/2 Classification Criteria (2015). Collection method: curation. Allele origin: germline.
Comment: Class 1 not pathogenic based on frequency >1% in an outbred sampleset. Frequency 0.3304 (Asian), 0.2154 (African), 0.3588 (European), derived from 1000 genomes (2012-04-30).

GeneKor MSA
Classification: Benign. Last evaluated: 2017-11-01. Review status: criteria provided, single submitter. Criteria: ACMG Guidelines, 2015. Collection method: clinical testing. Allele origin: germline. Affected: yes. Not counted in ClinVar's aggregate classification.

GeneDx
Classification: Benign. Last evaluated: 2015-03-03. Review status: criteria provided, single submitter. Criteria: GeneDx Variant Classification Process June 2021. Collection method: clinical testing. Allele origin: germline. Affected: yes. Not counted in ClinVar's aggregate classification.

Genome Diagnostics Laboratory, University Medical Center Utrecht
Classification: Benign for Breast-ovarian cancer, familial, susceptibility to, 1. Last evaluated: 2014-10-09. Review status: criteria provided, single submitter. Criteria: ACGS Guidelines, 2013. Collection method: clinical testing. Allele origin: germline. Affected: yes. Study: VKGL Data-share Consensus. Not counted in ClinVar's aggregate classification.

Breakthrough Genomics
Classification: Benign. Review status: criteria provided, single submitter. Criteria: ACMG Guidelines, 2015. Collection method: not provided. Allele origin: germline. Inheritance: Autosomal recessive inheritance. Affected: yes. Not counted in ClinVar's aggregate classification.

Breast Cancer Information Core (BIC) (BRCA1)
Classification: Uncertain significance for Breast-ovarian cancer, familial 1. Last evaluated: 1999-06-22. Review status: no assertion criteria provided. Collection method: clinical testing. Allele origin: germline. Affected: yes. Observed: 1 variant allele. Not counted in ClinVar's aggregate classification.

Clinical Genetics Laboratory, Department of Pathology, Netherlands Cancer Institute
Classification: Benign. Review status: no assertion criteria provided. Collection method: clinical testing. Allele origin: germline. Affected: yes. Study: VKGL Data-share Consensus. Not counted in ClinVar's aggregate classification.

Department of Pathology and Laboratory Medicine, Sinai Health System
Classification: Uncertain significance. Review status: no assertion criteria provided. Collection method: clinical testing. Allele origin: unknown. Affected: yes. Observed: 215 variant alleles. Study: The Canadian Open Genetics Repository (COGR). Not counted in ClinVar's aggregate classification.

Faculté Pluridciplinaire Nador, Université Mohamed Premier
Classification: Tier IV - Benign/Likely benign for Familial cancer of breast. Review status: no assertion criteria provided. Collection method: research. Allele origin: somatic. Affected: yes.
Comment: The following databases and algorithms are used to annotate and evaluate the impact of the variant in the context of human disease: 1000 genomes, gnomAD, ClinVar, OMIM, dbSNP, NCIB RefSeq Genes, ExAC Gene Constraints, VS-SIFT, VS-PolyPhen2, PhyloP, GERP++, GeneSplicer, MaxEntScan, NNSplice, PWM Splice Predictor.

Joint Genome Diagnostic Labs from Nijmegen and Maastricht, Radboudumc and MUMC+
Classification: Benign. Review status: no assertion criteria provided. Collection method: clinical testing. Allele origin: germline. Affected: yes. Study: VKGL Data-share Consensus. Not counted in ClinVar's aggregate classification.

NM_007294.4(BRCA1):c.4485-63C>G

Gene: BRCA1 (BRCA1 DNA repair associated; minus strand). Cytogenetic location: 17q21.31.
Variant type: single nucleotide variant.
Coding change: c.4485-63C>G on transcript NM_007294.4 (MANE Select); 63 bases into the intron before coding-DNA position 4485, C replaced by G.
Molecular consequence: intron variant.
Genome position (GRCh38, 1-based): chr17:43,074,584, G>C on the plus strand (C>G on the coding strand, the complement: BRCA1 is on the minus strand). VCF-style: chr17-43074584-G-C. GRCh37 (hg19) VCF-style: chr17-41226601-G-C.
Other names: IVS 14-63C>G; IVS14-63A/G; c.1032-63C>G (NM_001408458.1, NM_001408461.1, NM_001408464.1 and 7 more transcripts); c.3594-63C>G (NM_001407967.1); c.4104-63C>G (NM_001407959.1); c.4218-63C>G (NM_001407931.1, NM_001407932.1, NM_001407928.1 and 4 more transcripts); c.4341-63C>G (NM_001407747.1, NM_001407745.1, NM_001407737.1 and 21 more transcripts); c.4101-63C>G (NM_001407962.1, NM_001407960.1); and 73 more.
Identifiers: ClinVar variation 209374 (VCV000209374.11), dbSNP rs273900734, ClinGen allele CA276346.